The following is an entry in ClinVar:

NM_000170.3(GLDC):c.887T>G (p.Leu296Arg)

Gene: GLDC (glycine decarboxylase; minus strand). Cytogenetic location: 9p24.1.
Variant type: single nucleotide variant.
Coding change: c.887T>G on transcript NM_000170.3 (MANE Select); coding-DNA position 887, T replaced by G.
Protein change: p.Leu296Arg; replaces leucine 296 with arginine.
Molecular consequence: missense variant.
Genome position (GRCh38, 1-based): chr9:6,604,759, A>C on the plus strand (T>G on the coding strand, the complement: GLDC is on the minus strand). VCF-style: chr9-6604759-A-C. GRCh37 (hg19) VCF-style: chr9-6604759-A-C.
Other names: short protein forms L296R.
Identifiers: ClinVar variation 56108 (VCV000056108.2), dbSNP rs386833591, ClinGen allele CA263448.

ClinVar aggregate classification (germline): Likely pathogenic (0 of 4 stars; one submission).

Conditions:
Glycine encephalopathy. Also called: Nonketotic hyperglycinemia; Non-ketotic hyperglycinemia. Identifiers: Orphanet 407, MedGen C0751748, MONDO:0011612, HP:0008288.

Submission:

Juha Muilu Group; Institute for Molecular Medicine Finland (FIMM)
Classification: Likely pathogenic for Non-ketotic hyperglycinemia. Review status: no assertion criteria provided. Collection method: not provided. Allele origin: unknown.
Comment: FinDis database variant: This variant was not found or characterized by our laboratory, data were collected from public sources: see reference
ClinVar note: Converted during submission from probable-pathogenic to Likely pathogenic.